The following is an entry in ClinVar:

ClinVar aggregate classification (germline): Uncertain significance. Review status: reviewed by expert panel (3 of 4 stars). 5 submissions from 5 submitters: Uncertain significance (1). 4 of the submissions do not count toward it. Last evaluated 2026-10-29.

Conditions:
Hereditary cancer-predisposing syndrome. Also called: Neoplastic Syndromes, Hereditary; Hereditary Cancer Syndrome; Tumor predisposition; Hereditary neoplastic syndrome. Identifiers: Orphanet 140162, MedGen C0027672, MeSH D009386, MONDO:0015356.
BRCA1-related cancer predisposition. Identifiers: MedGen CN377757, MONDO:0700268.
Hereditary breast ovarian cancer syndrome. Also called: Hereditary breast and ovarian cancer syndrome; Hereditary breast and ovarian cancer syndrome (HBOC); Hereditary breast and ovarian cancer; Hereditary breast and/or ovarian cancer syndrome; Breast and ovarian cancer; BRCA1- and BRCA2-Associated Hereditary Breast and Ovarian Cancer. Identifiers: Orphanet 145, MedGen C0677776, MeSH D061325, MONDO:0003582. Disease mechanism: loss of function.

Submissions (6):

ClinGen ENIGMA BRCA1 and BRCA2 Variant Curation Expert Panel, ClinGen
Classification: Uncertain significance for BRCA1-related cancer predisposition. Last evaluated: 2026-10-29. Review status: reviewed by expert panel. Criteria: CSpec BRCA1/2ACMG Rules Specifications V1.2. Collection method: curation. Allele origin: germline. Inheritance: Autosomal dominant inheritance.
Comment: The c.5141T>C variant in BRCA1 is a missense variant predicted to cause substitution of Valine by Alanine at amino acid 1714 (p.(Val1714Ala)). This variant is absent from gnomAD v4.1 (read depth ≥25x in >90% samples, PM2_Supporting met). This BRCA1 missense variant is within a key functional domain and the computational predictor BayesDel (noAF) gives a score of 0.47, above the recommended threshold of 0.28 for prediction of impact on BRCA1 function via protein change. A SpliceAI score of 0.06 predicts no impact on splicing (score threshold <0.10) (PP3 met). Reported by one calibrated study to exhibit a partial impact on protein function, between what was observed for benign and pathogenic control variants (PMID:30209399) (PS3 and BS3 not met). In summary, this variant meets the criteria to be classified as a Variant of uncertain significance for BRCA1-related cancer predisposition based on the ACMG/AMP criteria applied as specified by the ENIGMA BRCA1/2 VCEP (PP3, PM2_supporting).

Women's Health and Genetics/Laboratory Corporation of America, LabCorp
Classification: Uncertain significance. Last evaluated: 2026-06-19. Review status: criteria provided, single submitter. Criteria: LabCorp Variant Classification Summary - May 2015. Collection method: clinical testing. Allele origin: germline. Not counted in ClinVar's aggregate classification.
Comment: Variant summary: BRCA1 c.5141T>C (p.Val1714Ala) results in a non-conservative amino acid change in the encoded protein sequence. Algorithms developed to predict the effect of missense changes on protein structure and function all suggest that this variant is likely to be disruptive. The variant was absent in 251300 control chromosomes. The available data on variant occurrences in the general population are insufficient to allow any conclusion about variant significance. To our knowledge, no occurrence of c.5141T>C in individuals affected with BRCA1-related conditions has been reported. At least one functional study reports experimental evidence evaluating an impact on protein function and showed an intermediate effect of this variant on homology directed repair (HDR) activity (e.g. Findlay_2018). HDR assays qualify as a recognized gold standard on the basis of updated guidance provided by the ClinGen Sequence Variant Interpretation (SVI) working group. The following publication has been ascertained in the context of this evaluation (PMID: 30209399). ClinVar contains an entry for this variant (Variation ID: 629871). Based on the evidence outlined above, the variant was classified as uncertain significance.

Ambry Genetics
Classification: Uncertain significance for Hereditary cancer-predisposing syndrome. Last evaluated: 2026-04-06. Review status: criteria provided, single submitter. Criteria: Ambry Variant Classification Scheme 2023. Collection method: clinical testing. Allele origin: germline. Not counted in ClinVar's aggregate classification.
Comment: The p.V1714A variant (also known as c.5141T>C), located in coding exon 16 of the BRCA1 gene, results from a T to C substitution at nucleotide position 5141. The valine at codon 1714 is replaced by alanine, an amino acid with similar properties. One functional study found that this nucleotide substitution has intermediate function in a high-throughput, genome editing, haploid cell survival assay (Findlay GM et al. Nature, 2018 Oct;562:217-222). This amino acid position is highly conserved in available vertebrate species. In addition, this alteration is predicted to be deleterious by in silico analysis. Based on the available evidence, the clinical significance of this variant remains unclear.

Labcorp Genetics (formerly Invitae), Labcorp
Classification: Likely pathogenic for Hereditary breast ovarian cancer syndrome. Last evaluated: 2025-11-02. Review status: criteria provided, single submitter. Criteria: Invitae Variant Classification Sherloc (09022015). Collection method: clinical testing. Allele origin: germline. Not counted in ClinVar's aggregate classification.
Comment: This sequence change replaces valine, which is neutral and non-polar, with alanine, which is neutral and non-polar, at codon 1714 of the BRCA1 protein (p.Val1714Ala). This variant is not present in population databases (gnomAD no frequency). This variant has not been reported in the literature in individuals affected with BRCA1-related conditions. ClinVar contains an entry for this variant (Variation ID: 629871). Invitae Evidence Modeling incorporating data from in vitro experimental studies (PMID: 30209399) indicates that this missense variant is expected to disrupt BRCA1 function with a positive predictive value of 95%. This variant disrupts the p.Val1714 amino acid residue in BRCA1. Other variant(s) that disrupt this residue have been determined to be pathogenic (PMID: 20516115, 26344711, 28781887, 29752822, 30209399; internal data). This suggests that this residue is clinically significant, and that variants that disrupt this residue are likely to be disease-causing. In summary, the currently available evidence indicates that the variant is pathogenic, but additional data are needed to prove that conclusively. Therefore, this variant has been classified as Likely Pathogenic.

Color Diagnostics, LLC DBA Color Health
Classification: Uncertain significance for Hereditary cancer-predisposing syndrome. Last evaluated: 2022-06-10. Review status: criteria provided, single submitter. Criteria: ACMG Guidelines, 2015. Collection method: clinical testing. Allele origin: germline. Not counted in ClinVar's aggregate classification.
Comment: This missense variant replaces valine with alanine at codon 1714 of the BRCA1 protein. Computational prediction suggests that this variant may have deleterious impact on protein structure and function (internally defined REVEL score threshold >= 0.7, PMID: 27666373). A functional study has reported that this variant has intermediate impact on BRCA1 function in a haploid cell proliferation assay (PMID: 30219179). This variant has been detected in a breast cancer case-control meta-analysis in 1/60466 cases and 0/53461 unaffected individuals (PMID: 33471991; Leiden Open Variation Database DB-ID BRCA1_006163). Different variants affecting the same position, p.Val1714Gly and p.Val1714Phe, are considered to be disease-causing (ClinVar variation ID: 55413, 631061), suggesting that valine or similar amino acid at this position is important for protein structure and function. This variant has not been identified in the general population by the Genome Aggregation Database (gnomAD). The available evidence is insufficient to determine the role of this variant in disease conclusively. Therefore, this variant is classified as a Variant of Uncertain Significance.

Brotman Baty Institute, University of Washington
No classification provided (evidence only). Condition: Breast-ovarian cancer, familial 1. Review status: no classification provided. Collection method: in vitro. Allele origin: not applicable. Functional consequence: function_uncertain_variant. Not counted in ClinVar's aggregate classification.
ClinVar note: "not provided" was previously submitted as the classification for the variant. However, the classification appeared to be based only on an observation of functional data so it was converted to no classification on 2025-07-30.

Literature cited by the submitters: PubMed 30209399 (cited by 3 submitters); PubMed 20516115 (cited by Labcorp Genetics (formerly Invitae), Labcorp); PubMed 26344711 (cited by Labcorp Genetics (formerly Invitae), Labcorp); PubMed 28781887 (cited by Labcorp Genetics (formerly Invitae), Labcorp); PubMed 29752822 (cited by Labcorp Genetics (formerly Invitae), Labcorp); PubMed 30219179 (cited by Color Diagnostics, LLC DBA Color Health); PubMed 33471991 (cited by Color Diagnostics, LLC DBA Color Health).

NM_007294.4(BRCA1):c.5141T>C (p.Val1714Ala)

Gene: BRCA1 (BRCA1 DNA repair associated; minus strand). Cytogenetic location: 17q21.31.
Variant type: single nucleotide variant.
Coding change: c.5141T>C on transcript NM_007294.4 (MANE Select); coding-DNA position 5141, T replaced by C.
Protein change: p.Val1714Ala; replaces valine 1714 with alanine.
Molecular consequence: missense variant. On other transcripts: non-coding transcript variant (1).
Genome position (GRCh38, 1-based): chr17:43,063,885, A>G on the plus strand (T>C on the coding strand, the complement: BRCA1 is on the minus strand). VCF-style: chr17-43063885-A-G. GRCh37 (hg19) VCF-style: chr17-41215902-A-G.
Other names: NM_007294.4(BRCA1):c.5141T>C; p.Val1714Ala; c.5138T>C, p.Val1713Ala (NM_001407621.1, NM_001407622.1, NM_001407623.1 and 17 more transcripts); c.5135T>C, p.Val1712Ala (NM_001407627.1, NM_001407628.1, NM_001407629.1 and 14 more transcripts); c.5132T>C, p.Val1711Ala (NM_001407644.1, NM_001407645.1); c.5129T>C, p.Val1710Ala (NM_001407646.1); c.5126T>C, p.Val1709Ala (NM_001407647.1); c.5084T>C, p.Val1695Ala (NM_001407648.1); and 73 more; short protein forms V1714A, V610A, V1667A, V1735A, V1585A, V1602A, V1603A, V1626A.
Identifiers: ClinVar variation 629871 (VCV000629871.27), dbSNP rs80357243, ClinGen allele CA10591259.
Genomic context (GRCh38, chr17:43,063,885, plus strand): 5'-CAATTCTGAGGTGTTAAAGGGAGGAGGGGAGAAATAGTATTATACTTACAGAAATAGCTA[A>G]CTACCCATTTTCCTCCCGCAATTCCTAGAAAATATTTCAGTGTCCGTTCACACACAAACT-3'
Protein context (NP_009225.1, residues 1704-1724): FLGIAGGKWV[Val1714Ala]SYFWVTQSIK